The following is an entry in ClinVar:

ClinVar aggregate classification (germline): Uncertain significance (1 of 4 stars; one submission).

Allele frequency attached by ClinVar (database versions not stated): gnomAD exomes 0.00002.
gnomAD v4.1: 25 of 1,608,268 alleles (0.0016%); highest among the groups gnomAD compares: Non-Finnish European, 0.0021%; no homozygotes.

Submission:

Labcorp Genetics (formerly Invitae), Labcorp
Classification: Uncertain significance. Last evaluated: 2022-05-11. Review status: criteria provided, single submitter. Criteria: Invitae Variant Classification Sherloc (09022015). Collection method: clinical testing. Allele origin: germline.
Comment: This variant has not been reported in the literature in individuals affected with GPR179-related conditions. This variant is present in population databases (no rsID available, gnomAD 0.007%). This sequence change replaces serine, which is neutral and polar, with proline, which is neutral and non-polar, at codon 34 of the GPR179 protein (p.Ser34Pro). Algorithms developed to predict the effect of missense changes on protein structure and function are either unavailable or do not agree on the potential impact of this missense change (SIFT: "Deleterious"; PolyPhen-2: "Possibly Damaging"; Align-GVGD: "Class C0"). In summary, the available evidence is currently insufficient to determine the role of this variant in disease. Therefore, it has been classified as a Variant of Uncertain Significance.

NM_001004334.4(GPR179):c.100T>C (p.Ser34Pro)

Gene: GPR179 (G protein-coupled receptor 179; minus strand). Cytogenetic location: 17q12.
Variant type: single nucleotide variant.
Coding change: c.100T>C on transcript NM_001004334.4 (MANE Select); coding-DNA position 100, T replaced by C.
Protein change: p.Ser34Pro; replaces serine 34 with proline.
Molecular consequence: missense variant.
Genome position (GRCh38, 1-based): chr17:38,343,690, A>G on the plus strand (T>C on the coding strand, the complement: GPR179 is on the minus strand). VCF-style: chr17-38343690-A-G. GRCh37 (hg19) VCF-style: chr17-36499573-A-G.
Other names: short protein forms S34P.
Identifiers: ClinVar variation 1932398 (VCV001932398.5), dbSNP rs1335346080, ClinGen allele CA398889913.